The following is an entry in ClinVar:

NM_014704.4(CEP104):c.928G>A (p.Ala310Thr)

Gene: CEP104 (centrosomal protein 104; minus strand). Cytogenetic location: 1p36.32.
Variant type: single nucleotide variant.
Coding change: c.928G>A on transcript NM_014704.4 (MANE Select); coding-DNA position 928, G replaced by A.
Protein change: p.Ala310Thr; replaces alanine 310 with threonine.
Molecular consequence: missense variant.
Genome position (GRCh38, 1-based): chr1:3,837,483, C>T on the plus strand (G>A on the coding strand, the complement: CEP104 is on the minus strand). VCF-style: chr1-3837483-C-T. GRCh37 (hg19) VCF-style: chr1-3754047-C-T.
Other names: c.928G>A (NM_014704.3); short protein forms A310T.
Identifiers: ClinVar variation 1418267 (VCV001418267.8), dbSNP rs370867227, ClinGen allele CA551765.

ClinVar aggregate classification (germline): Uncertain significance. Review status: criteria provided, multiple submitters, no conflicts (2 of 4 stars). 3 submissions from 3 submitters: Uncertain significance (3). Last evaluated 2025-12-08.

Conditions:
Joubert syndrome 25 (JBTS25). Identifiers: Orphanet 475, MedGen C4084842, MONDO:0014770, OMIM 616781.
Inborn genetic diseases. Identifiers: MedGen C0950123, MeSH D030342.

Allele frequency attached by ClinVar (database versions not stated): ExAC 0.00002.

Submissions (3):

Ambry Genetics
Classification: Uncertain significance for Inborn genetic diseases. Last evaluated: 2025-12-08. Review status: criteria provided, single submitter. Criteria: Ambry Variant Classification Scheme 2023. Collection method: clinical testing. Allele origin: germline.

Labcorp Genetics (formerly Invitae), Labcorp
Classification: Uncertain significance for Joubert syndrome 25. Last evaluated: 2025-09-23. Review status: criteria provided, single submitter. Criteria: Invitae Variant Classification Sherloc (09022015). Collection method: clinical testing. Allele origin: germline.
Comment: This sequence change replaces alanine, which is neutral and non-polar, with threonine, which is neutral and polar, at codon 310 of the CEP104 protein (p.Ala310Thr). This variant is present in population databases (rs370867227, gnomAD 0.004%). This variant has not been reported in the literature in individuals affected with CEP104-related conditions. ClinVar contains an entry for this variant (Variation ID: 1418267). An algorithm developed to predict the effect of missense changes on protein structure and function outputs the following: PolyPhen-2: "Benign". The threonine amino acid residue is found in multiple mammalian species, which suggests that this missense change does not adversely affect protein function. In summary, the available evidence is currently insufficient to determine the role of this variant in disease. Therefore, it has been classified as a Variant of Uncertain Significance.

Blueprint Genetics
Classification: Uncertain significance. Last evaluated: 2023-06-05. Review status: criteria provided, single submitter. Criteria: ACMG Guidelines, 2015. Collection method: clinical testing. Allele origin: germline.